The following is an entry in ClinVar:

ClinVar aggregate classification (germline): Likely benign (1 of 4 stars; one submission).

Allele frequency attached by ClinVar (database versions not stated): gnomAD exomes 0.00003; ExAC 0.00007; gnomAD 0.00001; TOPMed 0.00002.
gnomAD v4.1: 45 of 1,614,008 alleles (0.0028%); highest among the groups gnomAD compares: African/African-American, 0.0027%; no homozygotes.

Submission:

CeGaT Center for Human Genetics Tuebingen
Classification: Likely benign. Last evaluated: 2022-06-01. Review status: criteria provided, single submitter. Criteria: CeGaT Center For Human Genetics Tuebingen Variant Classification Criteria Version 2. Collection method: clinical testing. Allele origin: germline. Affected: yes. Observed: 1 variant allele.
Comment: DISP2: BP4

NM_033510.3(DISP2):c.646G>A (p.Val216Ile)

Gene: DISP2 (dispatched RND transporter family member 2; plus strand). Cytogenetic location: 15q15.1.
Variant type: single nucleotide variant.
Coding change: c.646G>A on transcript NM_033510.3 (MANE Select); coding-DNA position 646, G replaced by A.
Protein change: p.Val216Ile; replaces valine 216 with isoleucine.
Molecular consequence: missense variant.
Genome position (GRCh38, 1-based): chr15:40,364,880, G>A. VCF-style: chr15-40364880-G-A. GRCh37 (hg19) VCF-style: chr15-40657081-G-A.
Other names: short protein forms V216I.
Identifiers: ClinVar variation 2645169 (VCV002645169.24), dbSNP rs764624137, ClinGen allele CA7479216.